The following is an entry in ClinVar:

ClinVar aggregate classification (germline): Conflicting classifications of pathogenicity. Review status: criteria provided, conflicting classifications (1 of 4 stars). 2 submissions from 2 submitters: Pathogenic (1); Uncertain significance (1). Last evaluated 2026-04-23.

Conditions:
Thrombophilia, X-linked, due to factor 8 defect. Also called: THROMBOPHILIA, X-LINKED, DUE TO FACTOR VIII DEFECT; Thrombophilia 13, X-linked, due to factor VIII defect. Identifiers: MedGen C5676879, MONDO:0859082, OMIM 301071.
Hereditary factor VIII deficiency disease (HEMA). Also called: HEMOPHILIA, CLASSIC; AUTOSOMAL HEMOPHILIA A; Hemophilia A; Hemophilia A, congenital; HEM A; Factor 8 deficiency, congenital. Identifiers: Orphanet 98878, MedGen C0019069, MONDO:0010602, OMIM 306700.

Allele frequency attached by ClinVar (database versions not stated): gnomAD exomes 0.00007 and 0.00003; 1000 Genomes Project 30x 0.00021; gnomAD 0.00005 and 0.00006; 1000 Genomes Project 0.00026; ExAC 0.00005; TOPMed 0.00009.
gnomAD v4.1: 40 of 1,193,927 alleles (0.0034%); highest among the groups gnomAD compares: East Asian, 0.048%; 1 homozygote.

Submissions (2):

Victorian Clinical Genetics Services, Murdoch Childrens Research Institute
Classification: Uncertain significance for Hereditary factor VIII deficiency disease. Last evaluated: 2026-04-23. Review status: criteria provided, single submitter. Criteria: ACMG Guidelines, 2015. Collection method: clinical testing. Allele origin: germline. Affected: yes.
Comment: This variant is classified as VUS-3B. Evidence in support of pathogenic classification: Variant is present in gnomAD <0.01 (v4: 18 heterozygote(s), 1 homozygote(s), 20 hemizygote(s)); This variant has moderate functional evidence supporting abnormal protein function. When transiently expressed in HEK293T cells, this variant resulted in decreased FVIII:C activity consistent with mild haemophilia A (PMID: 24108539). Additional information: Variant is predicted to result in a missense amino acid change from Pro to Arg; This variant is heterozygous; This gene is associated with both recessive and dominant disease. X-linked recessive inheritance is associated with haemophilia A (MIM#306700), whereas thrombophilia 13, X-linked, due to factor VIII defect (MIM#301071) has been reported with X-linked dominant inheritance (OMIM, PMID: 33275657); Alternative amino acid change(s) at the same position are present in gnomAD (highest allele count: v4: 4 heterozygote(s), 0 homozygote(s), 5 hemizygote(s)); Previous reports of pathogenicity for this variant are conflicting. This variant has been classified as pathogenic by a clinical laboratory in ClinVar. Additionally, it has been reported in haemophilia A patients where another variant was also identified (PMIDs: 8639447; 27868395, 28056528). No published segregation evidence has been identified for this variant; Another missense variant(s) comparable to the one identified in this case has inconclusive previous evidence for pathogenicity. p.(Pro947Ser) has been classified as a VUS by a clinical laboratory in ClinVar; Variant is not located in an established domain, motif, hotspot or informative constraint region; Missense variant with conflicting in silico predictions and uninformative conservation; Loss of function and gain of function are known mechanisms of disease in this gene. Loss of function is associated with haemophilia A (MIM#306700), whereas gain of function due to copy number variations is associated with thrombophilia 13, X-linked, due to factor VIII defect (MIM#301071) (PMIDs: 23403259, 33275657); Inheritance information for this variant is not currently available in this individual.

Mendelics
Classification: Pathogenic for Thrombophilia, X-linked, due to factor 8 defect. Last evaluated: 2022-05-04. Review status: criteria provided, single submitter. Criteria: Mendelics Assertion Criteria 2019. Collection method: clinical testing. Allele origin: germline.

Literature cited by the submitters: PubMed 23403259 (cited by Victorian Clinical Genetics Services, Murdoch Childrens Research Institute); PubMed 33275657 (cited by Victorian Clinical Genetics Services, Murdoch Childrens Research Institute); PubMed 28056528 (cited by Victorian Clinical Genetics Services, Murdoch Childrens Research Institute); PubMed 24108539 (cited by Victorian Clinical Genetics Services, Murdoch Childrens Research Institute); PubMed 8639447 (cited by Victorian Clinical Genetics Services, Murdoch Childrens Research Institute).

NM_000132.4(F8):c.2840C>G (p.Pro947Arg)

Gene: F8 (coagulation factor VIII; minus strand). Cytogenetic location: Xq28.
Variant type: single nucleotide variant.
Coding change: c.2840C>G on transcript NM_000132.4 (MANE Select); coding-DNA position 2840, C replaced by G.
Protein change: p.Pro947Arg; replaces proline 947 with arginine.
Molecular consequence: missense variant.
Genome position (GRCh38, 1-based): chrX:154,930,950, G>C on the plus strand (C>G on the coding strand, the complement: F8 is on the minus strand). VCF-style: chrX-154930950-G-C. GRCh37 (hg19) VCF-style: chrX-154159225-G-C.
Other names: short protein forms P947R.
Identifiers: ClinVar variation 1685797 (VCV001685797.3), dbSNP rs782318401, ClinGen allele CA10568278.